The following is an entry in ClinVar:

ClinVar aggregate classification (germline): Benign. Review status: criteria provided, multiple submitters, no conflicts (2 of 4 stars). 16 submissions from 15 submitters: Benign (11). 5 of the submissions do not count toward it. Last evaluated 2026-02-04.

Conditions:
Cardiovascular phenotype. Identifiers: MedGen CN230736.
Hypertrichotic osteochondrodysplasia Cantu type. Also called: Cantu Syndrome; Cantú Syndrome. Identifiers: Orphanet 1517, MedGen C0795905, MONDO:0009406, OMIM 239850.
Dilated cardiomyopathy 1O (CMD1O). Also called: CARDIOMYOPATHY, DILATED, WITH VENTRICULAR TACHYCARDIA. Identifiers: Orphanet 154, MedGen C1837839, MONDO:0012062, OMIM 608569.

Allele frequency attached by ClinVar (database versions not stated): ESP Exome Variant Server 0.58794; gnomAD exomes 0.59327 and 0.61035; gnomAD 0.59559 and 0.60025; TOPMed 0.59649; ExAC 0.61380; 1000 Genomes Project 30x 0.63632; 1000 Genomes Project 0.64477.
gnomAD v4.1: 955,069 of 1,605,848 alleles (59%); highest among the groups gnomAD compares: East Asian, 78%; 286,598 homozygotes.

Submissions (17):

Labcorp Genetics (formerly Invitae), Labcorp
Classification: Benign for Dilated cardiomyopathy 1O. Last evaluated: 2026-02-04. Review status: criteria provided, single submitter. Criteria: Invitae Variant Classification Sherloc (09022015). Collection method: clinical testing. Allele origin: germline.

Blueprint Genetics
Classification: Benign. Last evaluated: 2024-11-27. Review status: criteria provided, single submitter. Criteria: ACMG Guidelines, 2015. Collection method: clinical testing. Allele origin: germline.

Genome-Nilou Lab
Classification: Benign for Hypertrichotic osteochondrodysplasia Cantu type. Last evaluated: 2021-07-14. Review status: criteria provided, single submitter. Criteria: ACMG Guidelines, 2015. Collection method: clinical testing. Allele origin: germline. Affected: no.

Illumina Laboratory Services, Illumina
Classification: Benign for Dilated cardiomyopathy 1O. Last evaluated: 2018-01-12. Review status: criteria provided, single submitter. Criteria: ICSL Variant Classification Criteria 13 December 2019. Collection method: clinical testing. Allele origin: germline.
Comment: This variant was observed in the ICSL laboratory as part of a predisposition screen in an ostensibly healthy population. It had not been previously curated by ICSL or reported in the Human Gene Mutation Database (HGMD: prior to June 1st, 2018), and was therefore a candidate for classification through an automated scoring system. Utilizing variant allele frequency, disease prevalence and penetrance estimates, and inheritance mode, an automated score was calculated to assess if this variant is too frequent to cause the disease. Based on the score and internal cut-off values, a variant classified as benign is not then subjected to further curation. The score for this variant resulted in a classification of benign for this disease.

Illumina Laboratory Services, Illumina
Classification: Benign for Hypertrichotic osteochondrodysplasia Cantu type. Last evaluated: 2018-01-12. Review status: criteria provided, single submitter. Criteria: ICSL Variant Classification Criteria 13 December 2019. Collection method: clinical testing. Allele origin: germline.
Comment: the same text as in the submission from Illumina Laboratory Services, Illumina above.

Ambry Genetics
Classification: Benign for Cardiovascular phenotype. Last evaluated: 2015-03-11. Review status: criteria provided, single submitter. Criteria: Ambry Variant Classification Scheme 2023. Collection method: clinical testing. Allele origin: germline.

Mayo Clinic Laboratories, Mayo Clinic
Classification: Benign. Last evaluated: 2014-02-25. Review status: criteria provided, single submitter. Criteria: ACMG Guidelines, 2015. Collection method: clinical testing. Allele origin: germline. Observed: 1,075 variant alleles.

GeneDx
Classification: Benign. Last evaluated: 2014-01-08. Review status: criteria provided, single submitter. Criteria: GeneDx Variant Classification (06012015). Collection method: clinical testing. Allele origin: germline. Affected: yes.
Comment: This variant is considered likely benign or benign based on one or more of the following criteria: it is a conservative change, it occurs at a poorly conserved position in the protein, it is predicted to be benign by multiple in silico algorithms, and/or has population frequency not consistent with disease.

Laboratory for Molecular Medicine, Mass General Brigham Personalized Medicine
Classification: Benign. Last evaluated: 2011-07-19. Review status: criteria provided, single submitter. Criteria: LMM Criteria. Collection method: clinical testing. Allele origin: germline. Observed: 1,617 variant alleles.

Breakthrough Genomics
Classification: Benign. Review status: criteria provided, single submitter. Criteria: ACMG Guidelines, 2015. Collection method: not provided. Allele origin: germline. Inheritance: Autosomal recessive inheritance. Affected: yes.

PreventionGenetics, part of Exact Sciences
Classification: Benign. Review status: criteria provided, single submitter. Criteria: ACMG Guidelines, 2015. Collection method: clinical testing. Allele origin: germline.

Clinical Genetics DNA and cytogenetics Diagnostics Lab, Erasmus MC, Erasmus Medical Center
Classification: Benign. Review status: no assertion criteria provided. Collection method: clinical testing. Allele origin: germline. Affected: yes. Study: VKGL Data-share Consensus. Not counted in ClinVar's aggregate classification.

Clinical Genetics, Academic Medical Center
Classification: Benign. Review status: no assertion criteria provided. Collection method: clinical testing. Allele origin: germline. Affected: yes. Study: VKGL Data-share Consensus. Not counted in ClinVar's aggregate classification.

Diagnostic Laboratory, Department of Genetics, University Medical Center Groningen
Classification: Benign. Review status: no assertion criteria provided. Collection method: clinical testing. Allele origin: germline. Affected: yes. Study: VKGL Data-share Consensus. Not counted in ClinVar's aggregate classification.

Dr. Peter K. Rogan Lab, Western University
No classification provided (evidence only). Condition: Hepatocellular carcinoma. Review status: no classification provided. Collection method: in vitro. Allele origin: not applicable. Functional consequence: retained intron. Not counted in ClinVar's aggregate classification.

Genome Diagnostics Laboratory, University Medical Center Utrecht
Classification: Benign. Review status: no assertion criteria provided. Collection method: clinical testing. Allele origin: germline. Affected: yes. Study: VKGL Data-share Consensus. Not counted in ClinVar's aggregate classification.

Joint Genome Diagnostic Labs from Nijmegen and Maastricht, Radboudumc and MUMC+
Classification: Benign. Review status: no assertion criteria provided. Collection method: clinical testing. Allele origin: germline. Affected: yes. Study: VKGL Data-share Consensus. Not counted in ClinVar's aggregate classification.

NM_020297.4(ABCC9):c.574-5C>A

Gene: ABCC9 (ATP binding cassette subfamily C member 9; minus strand). Cytogenetic location: 12p12.1.
Variant type: single nucleotide variant.
Coding change: c.574-5C>A on transcript NM_020297.4 (MANE Select); 5 bases into the intron before coding-DNA position 574, C replaced by A.
Molecular consequence: intron variant.
Genome position (GRCh38, 1-based): chr12:21,915,915, G>T on the plus strand (C>A on the coding strand, the complement: ABCC9 is on the minus strand). VCF-style: chr12-21915915-G-T. GRCh37 (hg19) VCF-style: chr12-22068849-G-T.
Other names: p.?; c.-48-2849C>A (NM_001377274.1); c.574-5C>A (NM_005691.4, NM_001377273.1).
Identifiers: ClinVar variation 45419 (VCV000045419.36), dbSNP rs3759236, ClinGen allele CA282560.